The following is an entry in ClinVar:

ClinVar aggregate classification (germline): Likely pathogenic. Review status: criteria provided, multiple submitters, no conflicts (2 of 4 stars). 2 submissions from 2 submitters: Likely pathogenic (2). Last evaluated 2022-08-11.

Conditions:
Sulfite oxidase deficiency due to molybdenum cofactor deficiency type A. Also called: Molybdenum cofactor deficiency, complementation group A; Molybdenum Cofactor Deficiency A. Identifiers: Orphanet 308386, Orphanet 833, MedGen C1854988, MONDO:0009643, OMIM 252150.

Submissions (2):

Laboratorio de Genetica e Diagnostico Molecular, Hospital Israelita Albert Einstein
Classification: Likely pathogenic for Sulfite oxidase deficiency due to molybdenum cofactor deficiency type A. Last evaluated: 2022-08-11. Review status: criteria provided, single submitter. Criteria: ACMG Guidelines, 2015. Collection method: clinical testing. Allele origin: germline. Affected: yes.
Comment: ACMG classification criteria: PVS1 very strong, PM2 moderated

Labcorp Genetics (formerly Invitae), Labcorp
Classification: Likely pathogenic for Sulfite oxidase deficiency due to molybdenum cofactor deficiency type A. Last evaluated: 2022-06-25. Review status: criteria provided, single submitter. Criteria: Invitae Variant Classification Sherloc (09022015). Collection method: clinical testing. Allele origin: germline.
Comment: In summary, the currently available evidence indicates that the variant is pathogenic, but additional data are needed to prove that conclusively. Therefore, this variant has been classified as Likely Pathogenic. This variant has not been reported in the literature in individuals affected with MOCS1-related conditions. This variant is not present in population databases (gnomAD no frequency). This sequence change affects an acceptor splice site in intron 1 of the MOCS1 gene. It is expected to disrupt RNA splicing. Variants that disrupt the donor or acceptor splice site typically lead to a loss of protein function (PMID: 16199547), and loss-of-function variants in MOCS1 are known to be pathogenic (PMID: 12754701, 16021469).

Literature cited by the submitters: PubMed 16199547 (cited by Labcorp Genetics (formerly Invitae), Labcorp); PubMed 12754701 (cited by Labcorp Genetics (formerly Invitae), Labcorp); PubMed 16021469 (cited by Labcorp Genetics (formerly Invitae), Labcorp).

NM_001358530.2(MOCS1):c.124-1G>C

Gene: MOCS1 (molybdenum cofactor synthesis 1; minus strand). Cytogenetic location: 6p21.2.
Variant type: single nucleotide variant.
Coding change: c.124-1G>C on transcript NM_001358530.2 (MANE Select); the canonical splice acceptor site of the intron before coding-DNA position 124, G replaced by C.
Molecular consequence: splice acceptor variant. On other transcripts: missense variant (1), intron variant (2).
Genome position (GRCh38, 1-based): chr6:39,927,456, C>G on the plus strand (G>C on the coding strand, the complement: MOCS1 is on the minus strand). VCF-style: chr6-39927456-C-G. GRCh37 (hg19) VCF-style: chr6-39895195-C-G.
Other names: c.123G>C, p.Gln41His (NM_005943.6); c.-11-1611G>C (NM_001358531.2, NM_001358533.2); c.124-1G>C (NM_001358529.2, NM_001075098.4); c.-138-1G>C (NM_001358534.2); short protein forms Q41H.
Identifiers: ClinVar variation 2010562 (VCV002010562.6), dbSNP rs2482418550, ClinGen allele CA364045212.